The following is an entry in ClinVar:

ClinVar aggregate classification (germline): Uncertain significance (1 of 4 stars; one submission).

Conditions:
Cardiovascular phenotype. Identifiers: MedGen CN230736.

gnomAD v4.1: 5 of 1,543,050 alleles (0.00032%); highest among the groups gnomAD compares: East Asian, 0.0074%; no homozygotes.

Submission:

Ambry Genetics
Classification: Uncertain significance for Cardiovascular phenotype. Last evaluated: 2021-03-18. Review status: criteria provided, single submitter. Criteria: Ambry Variant Classification Scheme 2023. Collection method: clinical testing. Allele origin: germline.
Comment: The p.A748S variant (also known as c.2242G>T), located in coding exon 1 of the ZNF469 gene, results from a G to T substitution at nucleotide position 2242. The alanine at codon 748 is replaced by serine, an amino acid with similar properties. This amino acid position is poorly conserved in available vertebrate species. In addition, this alteration is predicted to be tolerated by in silico analysis. Since supporting evidence is limited at this time, the clinical significance of this alteration remains unclear.

NM_001367624.2(ZNF469):c.2242G>T (p.Ala748Ser)

Gene: ZNF469 (zinc finger protein 469; plus strand). Cytogenetic location: 16q24.2.
Variant type: single nucleotide variant.
Coding change: c.2242G>T on transcript NM_001367624.2 (MANE Select); coding-DNA position 2242, G replaced by T.
Protein change: p.Ala748Ser; replaces alanine 748 with serine.
Molecular consequence: missense variant.
Genome position (GRCh38, 1-based): chr16:88,429,712, G>T. VCF-style: chr16-88429712-G-T. GRCh37 (hg19) VCF-style: chr16-88496120-G-T.
Other names: NM_001127464.1:c.2242G>T; short protein forms A748S.
Identifiers: ClinVar variation 1788300 (VCV001788300.2), dbSNP rs1411776696, ClinGen allele CA397070803.